The following is an entry in ClinVar:

NM_177438.3(DICER1):c.2614G>C (p.Ala872Pro)

Gene: DICER1 (dicer 1, ribonuclease III; minus strand). Cytogenetic location: 14q32.13.
Variant type: single nucleotide variant.
Coding change: c.2614G>C on transcript NM_177438.3 (MANE Select); coding-DNA position 2614, G replaced by C.
Protein change: p.Ala872Pro; replaces alanine 872 with proline.
Molecular consequence: missense variant. On other transcripts: non-coding transcript variant (6).
Genome position (GRCh38, 1-based): chr14:95,107,916, C>G on the plus strand (G>C on the coding strand, the complement: DICER1 is on the minus strand). VCF-style: chr14-95107916-C-G. GRCh37 (hg19) VCF-style: chr14-95574253-C-G.
Other names: c.2614G>C, p.Ala872Pro (NM_001195573.1, NM_001271282.3, NM_001291628.2 and 12 more transcripts); c.2332G>C, p.Ala778Pro (NM_001395686.1); c.2209G>C, p.Ala737Pro (NM_001395687.1, NM_001395688.1, NM_001395689.1 and 2 more transcripts); c.2047G>C, p.Ala683Pro (NM_001395691.1); c.931G>C, p.Ala311Pro (NM_001395697.1); short protein forms A311P, A737P, A872P, A683P, A778P.
Identifiers: ClinVar variation 4635955 (VCV004635955.1).

ClinVar aggregate classification (germline): Uncertain significance (1 of 4 stars; one submission).

Conditions:
Hereditary cancer-predisposing syndrome. Also called: Neoplastic Syndromes, Hereditary; Tumor predisposition; Hereditary Cancer Syndrome; Hereditary neoplastic syndrome. Identifiers: Orphanet 140162, MedGen C0027672, MeSH D009386, MONDO:0015356.

gnomAD v4.1: 1 of 1,613,982 alleles (0.000062%); highest among the groups gnomAD compares: Non-Finnish European, 0.000085%; no homozygotes.

Submission:

Ambry Genetics
Classification: Uncertain significance for Hereditary cancer-predisposing syndrome. Last evaluated: 2025-10-21. Review status: criteria provided, single submitter. Criteria: Ambry Variant Classification Scheme 2023. Collection method: clinical testing. Allele origin: germline.
Comment: The p.A872P variant (also known as c.2614G>C), located in coding exon 15 of the DICER1 gene, results from a G to C substitution at nucleotide position 2614. The alanine at codon 872 is replaced by proline, an amino acid with highly similar properties. This amino acid position is highly conserved in available vertebrate species. In addition, this alteration is predicted to be deleterious by in silico analysis. Based on the available evidence, the clinical significance of this variant remains unclear.